The following is an entry in ClinVar:

ClinVar aggregate classification (germline): Uncertain significance (1 of 4 stars; one submission).

Conditions:
Acromesomelic dysplasia 1, Maroteaux type (AMD1). Also called: ACROMESOMELIC DYSPLASIA 1; ST. HELENA DYSPLASIA. Identifiers: Orphanet 40, MedGen C1864356, MONDO:0011275, OMIM 602875.
Tall stature-scoliosis-macrodactyly of the great toes syndrome. Also called: Epiphyseal chondrodysplasia, miura type. Identifiers: Orphanet 329191, MedGen C4014690, MONDO:0014401, OMIM 615923.

Allele frequency attached by ClinVar (database versions not stated): gnomAD exomes below 0.00001.
gnomAD v4.1: 3 of 1,614,176 alleles (0.00019%); highest among the groups gnomAD compares: Non-Finnish European, 0.00025%; no homozygotes.

Submission:

Labcorp Genetics (formerly Invitae), Labcorp
Classification: Uncertain significance for Tall stature-scoliosis-macrodactyly of the great toes syndrome; Acromesomelic dysplasia 1, Maroteaux type. Last evaluated: 2025-06-15. Review status: criteria provided, single submitter. Criteria: Invitae Variant Classification Sherloc (09022015). Collection method: clinical testing. Allele origin: germline.
Comment: This sequence change replaces arginine, which is basic and polar, with histidine, which is basic and polar, at codon 828 of the NPR2 protein (p.Arg828His). This variant is not present in population databases (gnomAD no frequency). This variant has not been reported in the literature in individuals affected with NPR2-related conditions. ClinVar contains an entry for this variant (Variation ID: 2931857). Invitae Evidence Modeling of protein sequence and biophysical properties (such as structural, functional, and spatial information, amino acid conservation, physicochemical variation, residue mobility, and thermodynamic stability) indicates that this missense variant is expected to disrupt NPR2 protein function with a positive predictive value of 80%. In summary, the available evidence is currently insufficient to determine the role of this variant in disease. Therefore, it has been classified as a Variant of Uncertain Significance.

NM_003995.4(NPR2):c.2483G>A (p.Arg828His)

Gene: NPR2 (natriuretic peptide receptor 2; plus strand). Cytogenetic location: 9p13.3.
Variant type: single nucleotide variant.
Coding change: c.2483G>A on transcript NM_003995.4 (MANE Select); coding-DNA position 2483, G replaced by A.
Protein change: p.Arg828His; replaces arginine 828 with histidine.
Molecular consequence: missense variant.
Genome position (GRCh38, 1-based): chr9:35,806,502, G>A. VCF-style: chr9-35806502-G-A. GRCh37 (hg19) VCF-style: chr9-35806499-G-A.
Other names: c.2492G>A, p.Arg831His (NM_001378923.1); short protein forms R828H, R831H.
Identifiers: ClinVar variation 2931857 (VCV002931857.3), dbSNP rs1828391717, ClinGen allele CA373380185.